The following is an entry in ClinVar:

ClinVar aggregate classification (germline): Conflicting classifications of pathogenicity. Review status: criteria provided, conflicting classifications (1 of 4 stars). 7 submissions from 7 submitters: Uncertain significance (4); Likely benign (1). 2 of the submissions do not count toward it. Last evaluated 2026-08-01.

Conditions:
Primary ciliary dyskinesia. Also called: Ciliary dyskinesia. Identifiers: Orphanet 244, MedGen C0008780, MONDO:0016575, HP:0012265.
Primary ciliary dyskinesia 23 (CILD23). Also called: CILIARY DYSKINESIA, PRIMARY, 23, WITH OR WITHOUT SITUS INVERSUS. Identifiers: Orphanet 244, MedGen C3809548, MONDO:0014193, OMIM 615451.

Allele frequency attached by ClinVar (database versions not stated): 1000 Genomes Project 30x 0.00016; 1000 Genomes Project 0.00020; ExAC 0.00045; gnomAD exomes 0.00047; gnomAD 0.00082 and 0.00088; TOPMed 0.00090; ESP Exome Variant Server 0.00131.
gnomAD v4.1: 510 of 1,613,528 alleles (0.032%); highest among the groups gnomAD compares: Middle Eastern, 0.26%; 1 homozygote.

Submissions (7):

CeGaT Center for Human Genetics Tuebingen
Classification: Uncertain significance. Last evaluated: 2026-08-01. Review status: criteria provided, single submitter. Criteria: CeGaT Center For Human Genetics Tuebingen Variant Classification Criteria Version 2. Collection method: clinical testing. Allele origin: germline. Affected: yes. Observed: 1 variant allele.
Comment: ODAD2: PM2, BP4

Revvity Omics, Revvity
Classification: Uncertain significance for Primary ciliary dyskinesia 23. Last evaluated: 2022-09-27. Review status: criteria provided, single submitter. Criteria: ACMG Guidelines, 2015. Collection method: clinical testing. Allele origin: germline.

Labcorp Genetics (formerly Invitae), Labcorp
Classification: Uncertain significance for Primary ciliary dyskinesia 23. Last evaluated: 2022-09-13. Review status: criteria provided, single submitter. Criteria: Invitae Variant Classification Sherloc (09022015). Collection method: clinical testing. Allele origin: germline.
Comment: This sequence change replaces arginine, which is basic and polar, with glutamine, which is neutral and polar, at codon 570 of the ARMC4 protein (p.Arg570Gln). This variant is present in population databases (rs140569195, gnomAD 0.2%), and has an allele count higher than expected for a pathogenic variant. This variant has not been reported in the literature in individuals affected with ARMC4-related conditions. ClinVar contains an entry for this variant (Variation ID: 412251). Algorithms developed to predict the effect of missense changes on protein structure and function output the following: SIFT: "Tolerated"; PolyPhen-2: "Benign"; Align-GVGD: "Class C0". The glutamine amino acid residue is found in multiple mammalian species, which suggests that this missense change does not adversely affect protein function. In summary, the available evidence is currently insufficient to determine the role of this variant in disease. Therefore, it has been classified as a Variant of Uncertain Significance.

Fulgent Genetics
Classification: Uncertain significance for Primary ciliary dyskinesia 23. Last evaluated: 2021-11-11. Review status: criteria provided, single submitter. Criteria: ACMG Guidelines, 2015. Collection method: clinical testing. Allele origin: unknown.

Ambry Genetics
Classification: Likely benign for Primary ciliary dyskinesia. Last evaluated: 2018-07-11. Review status: criteria provided, single submitter. Criteria: Ambry Variant Classification Scheme 2023. Collection method: clinical testing. Allele origin: germline.

Diagnostic Laboratory, Department of Genetics, University Medical Center Groningen
Classification: Uncertain significance. Review status: no assertion criteria provided. Collection method: clinical testing. Allele origin: germline. Affected: yes. Study: VKGL Data-share Consensus. Not counted in ClinVar's aggregate classification.

Laboratory of Diagnostic Genome Analysis, Leiden University Medical Center (LUMC)
Classification: Uncertain significance. Review status: no assertion criteria provided. Collection method: clinical testing. Allele origin: germline. Affected: yes. Study: VKGL Data-share Consensus. Not counted in ClinVar's aggregate classification.

NM_018076.5(ODAD2):c.1709G>A (p.Arg570Gln)

Gene: ODAD2 (outer dynein arm docking complex subunit 2; minus strand). Cytogenetic location: 10p12.1.
Variant type: single nucleotide variant.
Coding change: c.1709G>A on transcript NM_018076.5 (MANE Select); coding-DNA position 1709, G replaced by A.
Protein change: p.Arg570Gln; replaces arginine 570 with glutamine.
Molecular consequence: missense variant.
Genome position (GRCh38, 1-based): chr10:27,944,256, C>T on the plus strand (G>A on the coding strand, the complement: ODAD2 is on the minus strand). VCF-style: chr10-27944256-C-T. GRCh37 (hg19) VCF-style: chr10-28233185-C-T.
Other names: c.1709G>A, p.Arg570Gln (NM_001290020.2); c.284G>A, p.Arg95Gln (NM_001290021.2); c.785G>A, p.Arg262Gln (NM_001312689.2); short protein forms R570Q, R95Q, R262Q.
Identifiers: ClinVar variation 412251 (VCV000412251.18), dbSNP rs140569195, ClinGen allele CA5453449.